The following is an entry in ClinVar:

NM_000548.5(TSC2):c.4990-7C>A

Gene: TSC2 (TSC complex subunit 2; plus strand). Cytogenetic location: 16p13.3.
Variant type: single nucleotide variant.
Coding change: c.4990-7C>A on transcript NM_000548.5 (MANE Select); 7 bases into the intron before coding-DNA position 4990, C replaced by A.
Molecular consequence: intron variant.
Genome position (GRCh38, 1-based): chr16:2,087,856, C>A. VCF-style: chr16-2087856-C-A. GRCh37 (hg19) VCF-style: chr16-2137857-C-A.
Other names: c.3448-7C>A (NM_001406693.1, NM_001406692.1, NM_001406694.1); c.4882-7C>A (NM_001406667.1); c.4879-7C>A (NM_001406668.1); c.4390-7C>A (NM_001406680.1); c.4321-7C>A (NM_001406683.1, NM_001406682.1); c.4189-7C>A (NM_001406687.1, NM_001406688.1); c.3577-7C>A (NM_001406689.1); c.3517-7C>A (NM_001406690.1); and 26 more.
Identifiers: ClinVar variation 3728993 (VCV003728993.2).
Genomic context (GRCh38, chr16:2,087,856, plus strand): 5'-GCAGTAGCCGAGATCAGCCTTCAGCACACGCTGTGTGCGGGGATGACCCTTTCTCTTGTC[C>A]GGGCAGGGCCAGTTCAACTTTGTCCACGTGATCGTCACCCCGCTGGACTACGAGTGCAAC-3'

ClinVar aggregate classification (germline): Uncertain significance (1 of 4 stars; one submission).

Conditions:
Tuberous sclerosis 2 (TSC2). Identifiers: Orphanet 805, MedGen C1860707, MONDO:0013199, OMIM 613254.

Submission:

Labcorp Genetics (formerly Invitae), Labcorp
Classification: Uncertain significance for Tuberous sclerosis 2. Last evaluated: 2025-01-14. Review status: criteria provided, single submitter. Criteria: Invitae Variant Classification Sherloc (09022015). Collection method: clinical testing. Allele origin: germline.
Comment: This sequence change falls in intron 38 of the TSC2 gene. It does not directly change the encoded amino acid sequence of the TSC2 protein. This variant is not present in population databases (gnomAD no frequency). This variant has not been reported in the literature in individuals affected with TSC2-related conditions. Algorithms developed to predict the effect of sequence changes on RNA splicing suggest that this variant may disrupt the consensus splice site. In summary, the available evidence is currently insufficient to determine the role of this variant in disease. Therefore, it has been classified as a Variant of Uncertain Significance.